The following is an entry in ClinVar:

NM_001127222.2(CACNA1A):c.55G>A (p.Ala19Thr)

Gene: CACNA1A (calcium voltage-gated channel subunit alpha1 A; minus strand). Cytogenetic location: 19p13.13.
Variant type: single nucleotide variant.
Coding change: c.55G>A on transcript NM_001127222.2 (MANE Select); coding-DNA position 55, G replaced by A.
Protein change: p.Ala19Thr; replaces alanine 19 with threonine.
Molecular consequence: missense variant.
Genome position (GRCh38, 1-based): chr19:13,506,170, C>T on the plus strand (G>A on the coding strand, the complement: CACNA1A is on the minus strand). VCF-style: chr19-13506170-C-T. GRCh37 (hg19) VCF-style: chr19-13616984-C-T.
Other names: c.55G>A, p.Ala19Thr (NM_000068.4, NM_001127221.2, NM_001174080.2 and 1 more transcripts); short protein forms A19T.
Identifiers: ClinVar variation 373535 (VCV000373535.42), dbSNP rs923359230, ClinGen allele CA16043075.

ClinVar aggregate classification (germline): Uncertain significance. Review status: criteria provided, multiple submitters, no conflicts (2 of 4 stars). 2 submissions from 2 submitters: Uncertain significance (2). Last evaluated 2024-10-27.

Conditions:
Developmental and epileptic encephalopathy, 42 (DEE42A). Also called: DEVELOPMENTAL AND EPILEPTIC ENCEPHALOPATHY 42A; EPILEPTIC ENCEPHALOPATHY, EARLY INFANTILE, 42A; Epileptic encephalopathy, early infantile, 42. Identifiers: MedGen C4310716, MONDO:0014917, OMIM 617106.
Episodic ataxia type 2 (EA2). Also called: ACETAZOLAMIDE-RESPONSIVE HEREDITARY PAROXYSMAL CEREBELLAR ATAXIA; ATAXIA, EPISODIC, WITH NYSTAGMUS; ATAXIA, FAMILIAL PAROXYSMAL; CEREBELLAR ATAXIA, PAROXYSMAL, ACETAZOLAMIDE-RESPONSIVE; CEREBELLOPATHY, HEREDITARY PAROXYSMAL; EPISODIC ATAXIA, NYSTAGMUS-ASSOCIATED. Identifiers: Orphanet 97, MedGen C1720416, MONDO:0007163, OMIM 108500.

Allele frequency attached by ClinVar (database versions not stated): gnomAD exomes 0.00001; TOPMed 0.00001.

Submissions (2):

Labcorp Genetics (formerly Invitae), Labcorp
Classification: Uncertain significance for Developmental and epileptic encephalopathy, 42; Episodic ataxia type 2. Last evaluated: 2024-10-27. Review status: criteria provided, single submitter. Criteria: Invitae Variant Classification Sherloc (09022015). Collection method: clinical testing. Allele origin: germline.
Comment: This sequence change replaces alanine, which is neutral and non-polar, with threonine, which is neutral and polar, at codon 19 of the CACNA1A protein (p.Ala19Thr). This variant is not present in population databases (gnomAD no frequency). This variant has not been reported in the literature in individuals affected with CACNA1A-related conditions. ClinVar contains an entry for this variant (Variation ID: 373535). Invitae Evidence Modeling of protein sequence and biophysical properties (such as structural, functional, and spatial information, amino acid conservation, physicochemical variation, residue mobility, and thermodynamic stability) indicates that this missense variant is not expected to disrupt CACNA1A protein function with a negative predictive value of 95%. In summary, the available evidence is currently insufficient to determine the role of this variant in disease. Therefore, it has been classified as a Variant of Uncertain Significance.

CeGaT Center for Human Genetics Tuebingen
Classification: Uncertain significance. Last evaluated: 2021-09-01. Review status: criteria provided, single submitter. Criteria: CeGaT Center For Human Genetics Tuebingen Variant Classification Criteria Version 2. Collection method: clinical testing. Allele origin: germline. Affected: yes. Observed: 1 variant allele.